The following is an entry in ClinVar:

NM_001297595.2(SIN3B):c.1541G>A (p.Arg514His)

Gene: SIN3B (SIN3 transcription regulator family member B; plus strand). Cytogenetic location: 19p13.11.
Variant type: single nucleotide variant.
Coding change: c.1541G>A on transcript NM_001297595.2 (MANE Select); coding-DNA position 1541, G replaced by A.
Protein change: p.Arg514His; replaces arginine 514 with histidine.
Molecular consequence: missense variant.
Genome position (GRCh38, 1-based): chr19:16,865,567, G>A. VCF-style: chr19-16865567-G-A. GRCh37 (hg19) VCF-style: chr19-16976378-G-A.
Other names: c.311G>A, p.Arg104His (NM_001297597.2); c.1637G>A, p.Arg546His (NM_015260.4); short protein forms R104H, R514H, R546H.
Identifiers: ClinVar variation 3390713 (VCV003390713.1).

ClinVar aggregate classification (germline): Uncertain significance (1 of 4 stars; one submission).

gnomAD v4.1: 2 of 1,613,514 alleles (0.00012%); highest among the groups gnomAD compares: Non-Finnish European, 0.00017%; no homozygotes.

Submission:

GeneDx
Classification: Uncertain significance. Last evaluated: 2024-06-07. Review status: criteria provided, single submitter. Criteria: GeneDx Variant Classification Process June 2021. Collection method: clinical testing. Allele origin: germline. Affected: yes.
Comment: Not observed at significant frequency in large population cohorts (gnomAD); In silico analysis supports that this missense variant has a deleterious effect on protein structure/function; Has not been previously published as pathogenic or benign to our knowledge